The following is an entry in ClinVar:

NM_000090.4(COL3A1):c.1857C>T (p.Pro619=)

Gene: COL3A1 (collagen type III alpha 1 chain; plus strand). Cytogenetic location: 2q32.2.
Variant type: single nucleotide variant.
Coding change: c.1857C>T on transcript NM_000090.4 (MANE Select); coding-DNA position 1857, C replaced by T.
Protein change: p.Pro619=; no amino-acid change (proline 619 retained).
Molecular consequence: synonymous variant.
Genome position (GRCh38, 1-based): chr2:188,997,377, C>T. VCF-style: chr2-188997377-C-T. GRCh37 (hg19) VCF-style: chr2-189862103-C-T.
Identifiers: ClinVar variation 2431361 (VCV002431361.1), dbSNP rs769323072, ClinGen allele CA430309951.

ClinVar aggregate classification (germline): Uncertain significance (1 of 4 stars; one submission).

Conditions:
Ehlers-Danlos syndrome, type 4 (EDSVASC). Also called: Ehlers-Danlos syndrome vascular type; Ehlers Danlos syndrome, ecchymotic type; Ehlers Danlos syndrome, arterial type; Ehlers Danlos syndrome, Sack-Barabas type; Ehlers-Danlos Syndrome Type IV. Identifiers: Orphanet 286, MedGen C0268338, MONDO:0017314, OMIM 130050.

Allele frequency attached by ClinVar (database versions not stated): TOPMed below 0.00001; gnomAD 0.00001.
gnomAD v4.1: 2 of 1,613,582 alleles (0.00012%); highest among the groups gnomAD compares: Non-Finnish European, 0.00017%; no homozygotes.

Submission:

Laboratorio de Genetica e Diagnostico Molecular, Hospital Israelita Albert Einstein
Classification: Uncertain significance for Ehlers-Danlos syndrome, type 4. Last evaluated: 2022-05-09. Review status: criteria provided, single submitter. Criteria: ACMG Guidelines, 2015. Collection method: clinical testing. Allele origin: germline. Affected: yes. Observed: 1 variant allele.
Comment: ACMG classification criteria: PM2 moderated